The following is an entry in ClinVar:

ClinVar aggregate classification (germline): Conflicting classifications of pathogenicity. Review status: criteria provided, conflicting classifications (1 of 4 stars). 2 submissions from 2 submitters: Uncertain significance (1); Likely benign (1). Last evaluated 2024-05-08.

Conditions:
DYNC1H1-related neurodevelopmental disorders.
Charcot-Marie-Tooth disease axonal type 2O. Also called: Charcot-Marie-Tooth disease, axonal, type 20; CHARCOT-MARIE-TOOTH NEUROPATHY, AXONAL, TYPE 2O; CHARCOT-MARIE-TOOTH DISEASE, AXONAL, AUTOSOMAL DOMINANT, TYPE 2O; Charcot-Marie-Tooth Neuropathy Type 2O. Identifiers: Orphanet 284232, MedGen C3280220, MONDO:0013644, OMIM 614228.

Allele frequency attached by ClinVar (database versions not stated): gnomAD exomes below 0.00001; ExAC 0.00001.
gnomAD v4.1: 3 of 1,613,572 alleles (0.00019%); highest among the groups gnomAD compares: Non-Finnish European, 0.00025%; no homozygotes.

Submissions (2):

Labcorp Genetics (formerly Invitae), Labcorp
Classification: Likely benign for Charcot-Marie-Tooth disease axonal type 2O. Last evaluated: 2024-05-08. Review status: criteria provided, single submitter. Criteria: Invitae Variant Classification Sherloc (09022015). Collection method: clinical testing. Allele origin: germline.

Illumina Laboratory Services, Illumina
Classification: Uncertain significance for DYNC1H1-related neurodevelopmental disorders. Last evaluated: 2019-12-10. Review status: criteria provided, single submitter. Criteria: ICSLVariantClassificationCriteria RUGD 01 April 2020. Collection method: clinical testing. Allele origin: unknown.
Comment: The DYNC1H1 c.7421C>T (p.Ala2474Val) variant is a missense variant. A literature search was performed for the gene, cDNA change, and amino acid change. No publications were found based on this search. This variant is reported at a frequency of 0.000009 in the European (non-Finnish) population of the Genome Aggregation Database though this is based on one allele in a region of good sequence coverage so the variant is presumed to be rare. Based on the limited evidence, the p.Ala2474Val variant is classified as a variant of unknown significance for DYNC1H1-related neurodevelopmental disorders.

NM_001376.5(DYNC1H1):c.7421C>T (p.Ala2474Val)

Gene: DYNC1H1 (dynein cytoplasmic 1 heavy chain 1; plus strand). Cytogenetic location: 14q32.31.
Variant type: single nucleotide variant.
Coding change: c.7421C>T on transcript NM_001376.5 (MANE Select); coding-DNA position 7421, C replaced by T.
Protein change: p.Ala2474Val; replaces alanine 2474 with valine.
Molecular consequence: missense variant.
Genome position (GRCh38, 1-based): chr14:102,016,034, C>T. VCF-style: chr14-102016034-C-T. GRCh37 (hg19) VCF-style: chr14-102482371-C-T.
Other names: short protein forms A2474V.
Identifiers: ClinVar variation 973305 (VCV000973305.6), dbSNP rs776990880, ClinGen allele CA7352810.